The following is an entry in ClinVar:

ClinVar aggregate classification (germline): Uncertain significance (1 of 4 stars; one submission).

Conditions:
Progressive myoclonic epilepsy. Also called: Familial progressive myoclonic epilepsy; Myoclonus epilepsy; Progressive myoclonus epilepsy; Myoclonic Epilepsies, Progressive. Identifiers: Orphanet 308, Orphanet 98261, MedGen C0751778, MONDO:0020074.

Submission:

Labcorp Genetics (formerly Invitae), Labcorp
Classification: Uncertain significance for Progressive myoclonic epilepsy. Last evaluated: 2023-10-03. Review status: criteria provided, single submitter. Criteria: Invitae Variant Classification Sherloc (09022015). Collection method: clinical testing. Allele origin: germline.
Comment: This sequence change replaces glutamic acid, which is acidic and polar, with lysine, which is basic and polar, at codon 95 of the GOSR2 protein (p.Glu95Lys). This variant is not present in population databases (gnomAD no frequency). This variant has not been reported in the literature in individuals affected with GOSR2-related conditions. ClinVar contains an entry for this variant (Variation ID: 1487623). An algorithm developed to predict the effect of missense changes on protein structure and function (PolyPhen-2) suggests that this variant is likely to be tolerated. In summary, the available evidence is currently insufficient to determine the role of this variant in disease. Therefore, it has been classified as a Variant of Uncertain Significance.

NM_004287.5(GOSR2):c.283G>A (p.Glu95Lys)

Genes: GOSR2 (golgi SNAP receptor complex member 2; plus strand), LRRC37A2 (leucine rich repeat containing 37 member A2), LOC126862578 (BRD4-independent group 4 enhancer GRCh37_chr17:45008344-45009543; plus strand). Cytogenetic location: 17q21.32.
Variant type: single nucleotide variant.
Coding change: c.283G>A on transcript NM_004287.5 (MANE Select); coding-DNA position 283, G replaced by A.
Protein change: p.Glu95Lys; replaces glutamic acid 95 with lysine.
Molecular consequence: missense variant. On other transcripts: non-coding transcript variant (3).
Genome position (GRCh38, 1-based): chr17:46,932,146, G>A. VCF-style: chr17-46932146-G-A. GRCh37 (hg19) VCF-style: chr17-45009512-G-A.
Other names: c.283G>A, p.Glu95Lys (NM_001012511.3, NM_001321133.2, NM_001330252.2 and 1 more transcripts); c.229G>A, p.Glu77Lys (NM_001321134.2, NM_001363851.2); c.280G>A, p.Glu94Lys (NM_001353114.2, NM_001353115.2, NM_001353116.2); short protein forms E77K, E94K, E95K.
Identifiers: ClinVar variation 1487623 (VCV001487623.6), dbSNP rs2146913169, ClinGen allele CA400017017.